The following is an entry in ClinVar:

NM_006767.4(LZTR1):c.1567G>A (p.Val523Met)

Gene: LZTR1 (leucine zipper like post translational regulator 1; plus strand). Cytogenetic location: 22q11.21.
Variant type: single nucleotide variant.
Coding change: c.1567G>A on transcript NM_006767.4 (MANE Select); coding-DNA position 1567, G replaced by A.
Protein change: p.Val523Met; replaces valine 523 with methionine.
Molecular consequence: missense variant.
Genome position (GRCh38, 1-based): chr22:20,994,221, G>A. VCF-style: chr22-20994221-G-A. GRCh37 (hg19) VCF-style: chr22-21348510-G-A.
Other names: short protein forms V523M.
Identifiers: ClinVar variation 1722904 (VCV001722904.13), dbSNP rs762957611, ClinGen allele CA10118944.

ClinVar aggregate classification (germline): Uncertain significance. Review status: criteria provided, multiple submitters, no conflicts (2 of 4 stars). 5 submissions from 5 submitters: Uncertain significance (5). Last evaluated 2026-10-01.

Conditions:
LZTR1-related schwannomatosis. Also called: Schwannomatosis 2; Schwannomatosis-2, susceptibility to. Identifiers: Orphanet 93921, MedGen C3810283, MONDO:0014299, OMIM 615670.
Hereditary cancer-predisposing syndrome. Also called: Tumor predisposition; Hereditary Cancer Syndrome; Neoplastic Syndromes, Hereditary; Hereditary neoplastic syndrome. Identifiers: Orphanet 140162, MedGen C0027672, MeSH D009386, MONDO:0015356.
Cardiovascular phenotype. Identifiers: MedGen CN230736.
Noonan syndrome 10 (NS10). Identifiers: Orphanet 648, MedGen C4225280, MONDO:0014693, OMIM 616564.

Allele frequency attached by ClinVar (database versions not stated): ExAC 0.00001.
gnomAD v4.1: 18 of 1,600,984 alleles (0.0011%); highest among the groups gnomAD compares: Middle Eastern, 0.066%; no homozygotes.

Submissions (5):

St. Jude Molecular Pathology, St. Jude Children's Research Hospital
Classification: Uncertain significance for Noonan syndrome 10. Last evaluated: 2026-10-01. Review status: criteria provided, single submitter. Criteria: St. Jude Assertion Criteria 2020. Collection method: clinical testing. Allele origin: germline.
Comment: The LZTR1 c.1567G>A p.(Val523Met) missense change has a maximum subpopulation frequency of 0.0028% in gnomAD v2.1.1. The in silico tool REVEL predicts a benign effect on protein function, but to our knowledge this prediction has not been confirmed by function al studies. To our knowledge, this variant has not been reported in the literature in individuals with LZTR1-related disease. In summary, the evidence currently available is insufficient to determine the clinical significance of this variant. It has therefore been classified as of uncertain significance.

Labcorp Genetics (formerly Invitae), Labcorp
Classification: Uncertain significance. Last evaluated: 2025-12-10. Review status: criteria provided, single submitter. Criteria: Invitae Variant Classification Sherloc (09022015). Collection method: clinical testing. Allele origin: germline.
Comment: This sequence change replaces valine, which is neutral and non-polar, with methionine, which is neutral and non-polar, at codon 523 of the LZTR1 protein (p.Val523Met). This variant is present in population databases (rs762957611, gnomAD 0.002%). This missense change has been observed in individual(s) with clinical features of autosomal recessive LZTR1-related disorders (PMID: 35418823). ClinVar contains an entry for this variant (Variation ID: 1722904). Invitae Evidence Modeling of protein sequence and biophysical properties (such as structural, functional, and spatial information, amino acid conservation, physicochemical variation, residue mobility, and thermodynamic stability) indicates that this missense variant is not expected to disrupt LZTR1 protein function with a negative predictive value of 80%. In summary, the available evidence is currently insufficient to determine the role of this variant in disease. Therefore, it has been classified as a Variant of Uncertain Significance.

Ambry Genetics
Classification: Uncertain significance for Cardiovascular phenotype; Hereditary cancer-predisposing syndrome. Last evaluated: 2025-06-24. Review status: criteria provided, single submitter. Criteria: Ambry Variant Classification Scheme 2023. Collection method: clinical testing. Allele origin: germline.
Comment: The p.V523M variant (also known as c.1567G>A), located in coding exon 14 of the LZTR1 gene, results from a G to A substitution at nucleotide position 1567. The valine at codon 523 is replaced by methionine, an amino acid with highly similar properties. This amino acid position is well conserved in available vertebrate species. In addition, this alteration is predicted to be tolerated by in silico analysis. Based on the available evidence, the clinical significance of this variant remains unclear.

Baylor Genetics
Classification: Uncertain significance for LZTR1-related schwannomatosis. Last evaluated: 2024-03-05. Review status: criteria provided, single submitter. Criteria: ACMG Guidelines, 2015. Collection method: clinical testing. Allele origin: unknown.

GeneDx
Classification: Uncertain significance. Last evaluated: 2022-05-05. Review status: criteria provided, single submitter. Criteria: GeneDx Variant Classification Process June 2021. Collection method: clinical testing. Allele origin: germline. Affected: yes.
Comment: Not observed at significant frequency in large population cohorts (gnomAD); In silico analysis supports that this missense variant does not alter protein structure/function; Has not been previously published as pathogenic or benign to our knowledge

Literature cited by the submitters: PubMed 35418823 (cited by Labcorp Genetics (formerly Invitae), Labcorp and Ambry Genetics).